The following is an entry in ClinVar:

NM_004311.4(ARL3):c.264T>A (p.Leu88=)

Gene: ARL3 (ARF like GTPase 3; minus strand). Cytogenetic location: 10q24.32.
Variant type: single nucleotide variant.
Coding change: c.264T>A on transcript NM_004311.4 (MANE Select); coding-DNA position 264, T replaced by A.
Protein change: p.Leu88=; no amino-acid change (leucine 88 retained).
Molecular consequence: synonymous variant.
Genome position (GRCh38, 1-based): chr10:102,699,373, A>T on the plus strand (T>A on the coding strand, the complement: ARL3 is on the minus strand). VCF-style: chr10-102699373-A-T. GRCh37 (hg19) VCF-style: chr10-104459130-A-T.
Identifiers: ClinVar variation 3723648 (VCV003723648.2).
Genomic context (GRCh38, chr10:102,699,373, plus strand): 5'-CCATGTTTCTAACACATGGCAGAAAATACTATGAATTAGTGCGTCAGAAGGAGTACTTAC[A>T]AGAATATCGGTATTTTCAAAATAATTCTTCCAGTATGGTCTGATTTTCCTCTGTCCACCA-3'
Protein context (NP_004302.1, residues 78-98): WKNYFENTDI[Leu88=]IYVIDSADRK

ClinVar aggregate classification (germline): Uncertain significance (1 of 4 stars; one submission).

Submission:

Labcorp Genetics (formerly Invitae), Labcorp
Classification: Uncertain significance. Last evaluated: 2024-10-23. Review status: criteria provided, single submitter. Criteria: Invitae Variant Classification Sherloc (09022015). Collection method: clinical testing. Allele origin: germline.
Comment: This sequence change affects codon 88 of the ARL3 mRNA. It is a 'silent' change, meaning that it does not change the encoded amino acid sequence of the ARL3 protein. It affects a nucleotide within the consensus splice site. This variant is not present in population databases (gnomAD no frequency). This variant has not been reported in the literature in individuals affected with ARL3-related conditions. Algorithms developed to predict the effect of sequence changes on RNA splicing suggest that this variant is not likely to affect RNA splicing. In summary, the available evidence is currently insufficient to determine the role of this variant in disease. Therefore, it has been classified as a Variant of Uncertain Significance.